The following is an entry in ClinVar:

ClinVar aggregate classification (germline): Conflicting classifications of pathogenicity. Review status: criteria provided, conflicting classifications (1 of 4 stars). 4 submissions from 4 submitters: Uncertain significance (3); Likely benign (1). Last evaluated 2025-01-13.

Allele frequency attached by ClinVar (database versions not stated): gnomAD 0.00024 and 0.00025; TOPMed 0.00029; ESP Exome Variant Server 0.00031; ExAC 0.00033; gnomAD exomes 0.00035 and 0.00048.
gnomAD v4.1: 717 of 1,593,488 alleles (0.045%); highest among the groups gnomAD compares: South Asian, 0.13%; 3 homozygotes.

Submissions (4):

Labcorp Genetics (formerly Invitae), Labcorp
Classification: Uncertain significance. Last evaluated: 2025-01-13. Review status: criteria provided, single submitter. Criteria: Invitae Variant Classification Sherloc (09022015). Collection method: clinical testing. Allele origin: germline.
Comment: This sequence change replaces arginine, which is basic and polar, with tryptophan, which is neutral and slightly polar, at codon 48 of the CEP135 protein (p.Arg48Trp). This variant is present in population databases (rs202084972, gnomAD 0.1%). This variant has not been reported in the literature in individuals affected with CEP135-related conditions. ClinVar contains an entry for this variant (Variation ID: 434720). An algorithm developed to predict the effect of missense changes on protein structure and function (PolyPhen-2) suggests that this variant is likely to be disruptive. In summary, the available evidence is currently insufficient to determine the role of this variant in disease. Therefore, it has been classified as a Variant of Uncertain Significance.

GeneDx
Classification: Uncertain significance. Last evaluated: 2021-02-16. Review status: criteria provided, single submitter. Criteria: GeneDx Variant Classification Process June 2021. Collection method: clinical testing. Allele origin: germline. Affected: yes.
Comment: In silico analysis supports that this missense variant has a deleterious effect on protein structure/function; Has not been previously published as pathogenic or benign to our knowledge

CeGaT Center for Human Genetics Tuebingen
Classification: Likely benign. Last evaluated: 2021-01-01. Review status: criteria provided, single submitter. Criteria: CeGaT Center For Human Genetics Tuebingen Variant Classification Criteria Version 2. Collection method: clinical testing. Allele origin: germline. Affected: yes. Observed: 1 variant allele.

Genetic Services Laboratory, University of Chicago
Classification: Uncertain significance. Last evaluated: 2017-02-20. Review status: criteria provided, single submitter. Criteria: ACMG Guidelines, 2015. Collection method: clinical testing. Allele origin: germline. Affected: no.

NM_025009.5(CEP135):c.142C>T (p.Arg48Trp)

Gene: CEP135 (centrosomal protein 135; plus strand). Cytogenetic location: 4q12.
Variant type: single nucleotide variant.
Coding change: c.142C>T on transcript NM_025009.5 (MANE Select); coding-DNA position 142, C replaced by T.
Protein change: p.Arg48Trp; replaces arginine 48 with tryptophan.
Molecular consequence: missense variant.
Genome position (GRCh38, 1-based): chr4:55,953,113, C>T. VCF-style: chr4-55953113-C-T. GRCh37 (hg19) VCF-style: chr4-56819279-C-T.
Other names: short protein forms R48W.
Identifiers: ClinVar variation 434720 (VCV000434720.52), dbSNP rs202084972, ClinGen allele CA2927475.